The following is an entry in ClinVar:

NM_000443.4(ABCB4):c.3120G>A (p.Val1040=)

Gene: ABCB4 (ATP binding cassette subfamily B member 4; minus strand). Cytogenetic location: 7q21.12.
Variant type: single nucleotide variant.
Coding change: c.3120G>A on transcript NM_000443.4 (MANE Select); coding-DNA position 3120, G replaced by A.
Protein change: p.Val1040=; no amino-acid change (valine 1040 retained).
Molecular consequence: synonymous variant.
Genome position (GRCh38, 1-based): chr7:87,408,196, C>T on the plus strand (G>A on the coding strand, the complement: ABCB4 is on the minus strand). VCF-style: chr7-87408196-C-T. GRCh37 (hg19) VCF-style: chr7-87037512-C-T.
Other names: c.3120G>A, p.Val1040= (NM_018849.3); c.2979G>A, p.Val993= (NM_018850.3).
Identifiers: ClinVar variation 4846648 (VCV004846648.1).

ClinVar aggregate classification (germline): Likely benign (1 of 4 stars; one submission).

Conditions:
Familial intrahepatic cholestasis. Identifiers: Orphanet 284385, MedGen CN296401, MONDO:0017290.
Low phospholipid associated cholelithiasis (GBD1). Also called: Gallbladder disease 1; Gallstone cholecystitis. Identifiers: Orphanet 69663, MedGen C2609268, MONDO:0010939, OMIM 600803.

Submission:

Genomenon, Inc
Classification: Likely benign for Familial intrahepatic cholestasis; Low phospholipid associated cholelithiasis. Last evaluated: 2026-04-14. Review status: criteria provided, single submitter. Criteria: Genomenon Sequence Variant Interpretation Standards - Updated. Collection method: curation. Allele origin: germline. Affected: no.
Comment: ABCB4 c.3120G>A is a synonymous variant that retains Valine at residue 1040. This variant has been reported in the published literature (PMID:30079523). It is absent or not present at a significant frequency in gnomAD. This synonymous variant is not predicted to impact splicing. In conclusion, we classify ABCB4 p.Val1040= (c.3120G>A) as a likely benign variant.

Literature cited by the submitters: PubMed 30079523.